The following is an entry in ClinVar:

NM_001852.4(COL9A2):c.164C>T (p.Pro55Leu)

Gene: COL9A2 (collagen type IX alpha 2 chain; minus strand). Cytogenetic location: 1p34.2.
Variant type: single nucleotide variant.
Coding change: c.164C>T on transcript NM_001852.4 (MANE Select); coding-DNA position 164, C replaced by T.
Protein change: p.Pro55Leu; replaces proline 55 with leucine.
Molecular consequence: missense variant.
Genome position (GRCh38, 1-based): chr1:40,314,374, G>A on the plus strand (C>T on the coding strand, the complement: COL9A2 is on the minus strand). VCF-style: chr1-40314374-G-A. GRCh37 (hg19) VCF-style: chr1-40780046-G-A.
Other names: short protein forms P55L.
Identifiers: ClinVar variation 1386197 (VCV001386197.6), dbSNP rs2124101885, ClinGen allele CA339858731.
Genomic context (GRCh38, chr1:40,314,374, plus strand): 5'-CAGGAAGGGTCAAAGGCCAAAGAGGATAAAGCACTCACCGGAGGGCCAGCTTTTCCAGGG[G>A]GCCCATTGTCACCCTGCAAGATACAAGTTGGTGAGACAGCACACTACGGCTCACACTACC-3'
Protein context (NP_001843.1, residues 45-65): GSDGIDGDNG[Pro55Leu]PGKAGPPGPK

ClinVar aggregate classification (germline): Uncertain significance (1 of 4 stars; one submission).

Submission:

Labcorp Genetics (formerly Invitae), Labcorp
Classification: Uncertain significance. Last evaluated: 2022-05-16. Review status: criteria provided, single submitter. Criteria: Invitae Variant Classification Sherloc (09022015). Collection method: clinical testing. Allele origin: germline.
Comment: In summary, the available evidence is currently insufficient to determine the role of this variant in disease. Therefore, it has been classified as a Variant of Uncertain Significance. Advanced modeling of protein sequence and biophysical properties (such as structural, functional, and spatial information, amino acid conservation, physicochemical variation, residue mobility, and thermodynamic stability) performed at Invitae indicates that this missense variant is not expected to disrupt COL9A2 protein function. This variant has not been reported in the literature in individuals affected with COL9A2-related conditions. This variant is not present in population databases (gnomAD no frequency). This sequence change replaces proline, which is neutral and non-polar, with leucine, which is neutral and non-polar, at codon 55 of the COL9A2 protein (p.Pro55Leu).